The following is an entry in ClinVar:

NM_001387430.1(SH2B1):c.2161_2162delinsAT (p.Gly721Met)

Gene: SH2B1 (SH2B adaptor protein 1; plus strand). Cytogenetic location: 16p11.2.
Variant type: Indel.
Coding change: c.2161_2162delinsAT on transcript NM_001387430.1 (MANE Select); coding-DNA positions 2161 to 2162, GG replaced by AT.
Protein change: p.Gly721Met; replaces glycine 721 with methionine.
Molecular consequence: missense variant. On other transcripts: 3 prime UTR variant (5).
Genome position (GRCh38, 1-based): chr16:28,873,710-28,873,711, GG replaced by AT. VCF-style: chr16-28873710-GG-AT. GRCh37 (hg19) VCF-style: chr16-28885031-GG-AT.
Other names: c.2161_2162delinsAT, p.Gly721Met (NM_001145795.2, NM_001308293.2, NM_001387404.1); c.*245_*246delinsAT (NM_001145796.2, NM_001145812.2, NM_001308294.2 and 1 more transcripts); c.*262_*263delinsAT (NM_001145797.2); short protein forms G721M.
Identifiers: ClinVar variation 5001823 (VCV005001823.1).

ClinVar aggregate classification (germline): Uncertain significance (1 of 4 stars; one submission).

Conditions:
SH2B1-related disorder. Also called: SH2B1-related condition.

Submission:

PreventionGenetics, part of Exact Sciences
Classification: Uncertain significance for SH2B1-related condition. Last evaluated: 2024-10-15. Review status: criteria provided, single submitter. Criteria: ACMG Guidelines, 2015. Collection method: clinical testing. Allele origin: germline.
Comment: The SH2B1 c.2161_2162delinsAT variant is predicted to result in an in-frame deletion and insertion. To our knowledge, this variant has not been reported in the literature or in a large population database (gnomAD), indicating this variant is rare. At this time, the clinical significance of this variant is uncertain due to the absence of conclusive functional and genetic evidence.